The following is an entry in ClinVar:

NM_003072.5(SMARCA4):c.4425-7dup

Gene: SMARCA4 (SWI/SNF related BAF chromatin remodeling complex subunit ATPase 4; plus strand). Cytogenetic location: 19p13.2.
Variant type: Duplication.
Coding change: c.4425-7dup on transcript NM_003072.5 (MANE Select); 7 bases into the intron before coding-DNA position 4425, one base duplicated (C; older notation c.4425-7dupC).
Molecular consequence: intron variant.
Genome position (GRCh38, 1-based): chr19:11,058,248, C duplicated; the last of 2 consecutive C bases (chr19:11,058,247-11,058,248); duplicating either gives the same sequence. VCF-style (leftmost placement, unchanged base first): chr19-11058246-G-GC. GRCh37 (hg19) VCF-style: chr19-11168922-G-GC.
Other names: c.4425-7dup (NM_001128844.3); c.4521-7dup (NM_001128849.3, NM_001387283.1); c.4326-7dup (NM_001128847.4, NM_001374457.1); c.4422-7dup (NM_001411150.1); c.4335-7dup (NM_001128845.2); c.4335-10dup (NM_001128846.2); c.4326-10dup (NM_001128848.2).
Identifiers: ClinVar variation 5042088 (VCV005042088.1).
Genomic context (GRCh38, chr19:11,058,246, plus strand): 5'-TGCTGAGGTGGGGTGGGGGCTCCCGGGTGGGCGGACTCGGGGGTGATAGCCGCCGGTTCT[G>GC]CCTTGCAGCAGCAGTGGACGTCAGCTCAGCGAGGTCTTCATCCAGCTGCCCTCGCGAAAG-3'

ClinVar aggregate classification (germline): Likely benign (1 of 4 stars; one submission).

Conditions:
Rhabdoid tumor predisposition syndrome 2 (RTPS2). Identifiers: Orphanet 231108, Orphanet 69077, MedGen C2750074, MONDO:0013224, OMIM 613325.

Submission:

Myriad Genetics, Inc.
Classification: Likely benign for Rhabdoid tumor predisposition syndrome 2. Last evaluated: 2026-07-08. Review status: criteria provided, single submitter. Criteria: Myriad Autosomal Dominant, Autosomal Recessive and X-Linked Classification Criteria (2023). Collection method: clinical testing. Allele origin: unknown.
Comment: This variant is considered likely benign. This variant is intronic and is not expected to impact mRNA splicing.